The following is an entry in ClinVar:

NM_000171.4(GLRA1):c.550C>G (p.Leu184Val)

Gene: GLRA1 (glycine receptor alpha 1; minus strand). Cytogenetic location: 5q33.1.
Variant type: single nucleotide variant.
Coding change: c.550C>G on transcript NM_000171.4 (MANE Select); coding-DNA position 550, C replaced by G.
Protein change: p.Leu184Val; replaces leucine 184 with valine.
Molecular consequence: missense variant.
Genome position (GRCh38, 1-based): chr5:151,856,310, G>C on the plus strand (C>G on the coding strand, the complement: GLRA1 is on the minus strand). VCF-style: chr5-151856310-G-C. GRCh37 (hg19) VCF-style: chr5-151235871-G-C.
Other names: c.550C>G, p.Leu184Val (NM_001146040.2); c.301C>G, p.Leu101Val (NM_001292000.2); short protein forms L184V, L101V.
Identifiers: ClinVar variation 1391009 (VCV001391009.6), dbSNP rs2113352064, ClinGen allele CA361840405.
Genomic context (GRCh38, chr5:151,856,310, plus strand): 5'-TGGGTAAAAAGGAGCCTGGTTCTTTCTAGAGGACTCATGCAAGACACTCACAGCTTTCCA[G>C]TTGCATGATACATGTCTGGACATCCATGGGGAAATTCTTCAAGTCCATGGGGCAGGCCAG-3'
Protein context (NP_000162.2, residues 174-194): PMDVQTCIMQ[Leu184Val]ESFGYTMNDL

ClinVar aggregate classification (germline): Uncertain significance (1 of 4 stars; one submission).

Conditions:
Hereditary hyperekplexia. Identifiers: Orphanet 3197, MedGen C4084968, MONDO:0021022.

Submission:

Labcorp Genetics (formerly Invitae), Labcorp
Classification: Uncertain significance for Hereditary hyperekplexia. Last evaluated: 2022-01-26. Review status: criteria provided, single submitter. Criteria: Invitae Variant Classification Sherloc (09022015). Collection method: clinical testing. Allele origin: germline.
Comment: Advanced modeling of protein sequence and biophysical properties (such as structural, functional, and spatial information, amino acid conservation, physicochemical variation, residue mobility, and thermodynamic stability) performed at Invitae indicates that this missense variant is expected to disrupt GLRA1 protein function. This variant has not been reported in the literature in individuals affected with GLRA1-related conditions. This variant is not present in population databases (gnomAD no frequency). This sequence change replaces leucine, which is neutral and non-polar, with valine, which is neutral and non-polar, at codon 184 of the GLRA1 protein (p.Leu184Val). In summary, the available evidence is currently insufficient to determine the role of this variant in disease. Therefore, it has been classified as a Variant of Uncertain Significance.